The following is an entry in ClinVar:

NM_004260.4(RECQL4):c.1076A>G (p.Lys359Arg)

Gene: RECQL4 (RecQ like helicase 4; minus strand). Cytogenetic location: 8q24.3.
Variant type: single nucleotide variant.
Coding change: c.1076A>G on transcript NM_004260.4 (MANE Select); coding-DNA position 1076, A replaced by G.
Protein change: p.Lys359Arg; replaces lysine 359 with arginine.
Molecular consequence: missense variant.
Genome position (GRCh38, 1-based): chr8:144,516,043, T>C on the plus strand (A>G on the coding strand, the complement: RECQL4 is on the minus strand). VCF-style: chr8-144516043-T-C. GRCh37 (hg19) VCF-style: chr8-145741427-T-C.
Other names: short protein forms K359R.
Identifiers: ClinVar variation 1352522 (VCV001352522.6), dbSNP rs2130716448, ClinGen allele CA372688163.

ClinVar aggregate classification (germline): Uncertain significance (1 of 4 stars; one submission).

Conditions:
Baller-Gerold syndrome (BGS). Also called: CRANIOSYNOSTOSIS WITH RADIAL DEFECTS. Identifiers: Orphanet 1225, MedGen C0265308, MONDO:0009039, OMIM 218600.

Allele frequency attached by ClinVar (database versions not stated): gnomAD exomes below 0.00001.
gnomAD v4.1: 3 of 1,612,344 alleles (0.00019%); highest among the groups gnomAD compares: Non-Finnish European, 0.00025%; no homozygotes.

Submission:

Labcorp Genetics (formerly Invitae), Labcorp
Classification: Uncertain significance for Baller-Gerold syndrome. Last evaluated: 2021-09-21. Review status: criteria provided, single submitter. Criteria: Invitae Variant Classification Sherloc (09022015). Collection method: clinical testing. Allele origin: germline.
Comment: This sequence change replaces lysine with arginine at codon 359 of the RECQL4 protein (p.Lys359Arg). The lysine residue is highly conserved and there is a small physicochemical difference between lysine and arginine. In summary, the available evidence is currently insufficient to determine the role of this variant in disease. Therefore, it has been classified as a Variant of Uncertain Significance. Experimental studies and prediction algorithms are not available or were not evaluated, and the functional significance of this variant is currently unknown. This variant has not been reported in the literature in individuals affected with RECQL4-related conditions. This variant is not present in population databases (ExAC no frequency).